The following is an entry in ClinVar:

NM_000219.6(KCNE1):c.356A>C (p.Asn119Thr)

Gene: KCNE1 (potassium voltage-gated channel subfamily E regulatory subunit 1; minus strand). Cytogenetic location: 21q22.12.
Variant type: single nucleotide variant.
Coding change: c.356A>C on transcript NM_000219.6 (MANE Select); coding-DNA position 356, A replaced by C.
Protein change: p.Asn119Thr; replaces asparagine 119 with threonine.
Molecular consequence: missense variant.
Genome position (GRCh38, 1-based): chr21:34,449,279, T>G on the plus strand (A>C on the coding strand, the complement: KCNE1 is on the minus strand). VCF-style: chr21-34449279-T-G. GRCh37 (hg19) VCF-style: chr21-35821577-T-G.
Other names: c.356A>C, p.Asn119Thr (NM_001127670.4, NM_001270402.3, NM_001270403.2 and 4 more transcripts); short protein forms N119T.
Identifiers: ClinVar variation 3373797 (VCV003373797.2).
Genomic context (GRCh38, chr21:34,449,279, plus strand): 5'-TGTCCAGTTTTAGCCAGTGGTGGGGTTCATGGGGAAGGCTTCGTCTCAGGAAGGTGTGTG[T>G]TGGGTTGTTCTATGGCCAGATGGTTTTCAACGACATAGCACGACCTGTAGCTCTCCAGGA-3'
Protein context (NP_000210.2, residues 109-129): VENHLAIEQP[Asn119Thr]THLPETKPSP

Conditions:
Long QT syndrome 5 (LQT5). Identifiers: Orphanet 101016, Orphanet 768, MedGen C1867904, MONDO:0013372, OMIM 613695.

Submission:

Roden Lab, Vanderbilt University Medical Center
No classification provided (evidence only). Condition: Long QT syndrome 5. Review status: no classification provided. Collection method: in vitro. Allele origin: not applicable. Functional consequence: Effect on ion channel function.
ClinVar note: "not provided" was previously submitted as the classification for the variant. However, the classification appeared to be based only on an observation of functional data so it was converted to no classification on 2025-07-30.